The following is an entry in ClinVar:

ClinVar aggregate classification (germline): Conflicting classifications of pathogenicity. Review status: criteria provided, conflicting classifications (1 of 4 stars). 5 submissions from 5 submitters: Uncertain significance (2); Likely benign (1). 2 of the submissions do not count toward it. Last evaluated 2024-01-11.

Conditions:
Citrullinemia type I (CTNL1). Also called: argininosuccinate synthetase deficiency; ASS DEFICIENCY. Identifiers: Orphanet 247525, MedGen C4721769, MONDO:0008988, OMIM 215700.
Citrullinemia. Identifiers: Orphanet 187, MedGen C0175683, MONDO:0015991.

Allele frequency attached by ClinVar (database versions not stated): gnomAD 0.00003 and 0.00004; gnomAD exomes 0.00003 and 0.00007; ExAC 0.00004; TOPMed 0.00006; ESP Exome Variant Server 0.00015.
gnomAD v4.1: 56 of 1,613,126 alleles (0.0035%); highest among the groups gnomAD compares: Middle Eastern, 0.018%; no homozygotes.

Submissions (5):

Women's Health and Genetics/Laboratory Corporation of America, LabCorp
Classification: Uncertain significance. Last evaluated: 2024-01-11. Review status: criteria provided, single submitter. Criteria: LabCorp Variant Classification Summary - May 2015. Collection method: clinical testing. Allele origin: germline.
Comment: Variant summary: ASS1 c.298C>T (p.Arg100Cys) results in a non-conservative amino acid change located in the Arginosuccinate synthase-like, N-terminal domain (IPR048267) of the encoded protein sequence. Three of five in-silico tools predict a damaging effect of the variant on protein function. The variant allele was found at a frequency of 6.8e-05 in 250394 control chromosomes. This frequency is not significantly higher than estimated for a pathogenic variant in ASS1 causing Citrullinemia Type I (6.8e-05 vs 0.0041), allowing no conclusion about variant significance. c.298C>T has been reported in the literature along with two pathogenic variants of ASS1 in an individual affected with Citrullinemia Type I. Co-occurrences with other pathogenic variant(s) have been reported (in cis with ASS1, p.Arg157His), providing supporting evidence for a benign role. To our knowledge, no experimental evidence demonstrating an impact on protein function has been reported. The following publication have been ascertained in the context of this evaluation (PMID: 28111830). ClinVar contains an entry for this variant (Variation ID: 553910, VUS). Based on the evidence outlined above, the variant was classified as uncertain significance.

Labcorp Genetics (formerly Invitae), Labcorp
Classification: Uncertain significance for Citrullinemia. Last evaluated: 2022-09-23. Review status: criteria provided, single submitter. Criteria: Invitae Variant Classification Sherloc (09022015). Collection method: clinical testing. Allele origin: germline.
Comment: This sequence change replaces arginine, which is basic and polar, with cysteine, which is neutral and slightly polar, at codon 100 of the ASS1 protein (p.Arg100Cys). This variant is present in population databases (rs370695114, gnomAD 0.02%). This missense change has been observed in individual(s) with citrullinemia (PMID: 28111830; Invitae). In at least one individual the data is consistent with being in trans (on the opposite chromosome) from a pathogenic variant. ClinVar contains an entry for this variant (Variation ID: 553910). Advanced modeling of protein sequence and biophysical properties (such as structural, functional, and spatial information, amino acid conservation, physicochemical variation, residue mobility, and thermodynamic stability) performed at Invitae indicates that this missense variant is not expected to disrupt ASS1 protein function. This variant disrupts the p.Arg100 amino acid residue in ASS1. Other variant(s) that disrupt this residue have been observed in individuals with ASS1-related conditions (PMID: 28111830), which suggests that this may be a clinically significant amino acid residue. In summary, the available evidence is currently insufficient to determine the role of this variant in disease. Therefore, it has been classified as a Variant of Uncertain Significance.

Blueprint Genetics
Classification: Likely benign. Last evaluated: 2021-01-08. Review status: criteria provided, single submitter. Criteria: ACMG Guidelines, 2015. Collection method: clinical testing. Allele origin: germline.

Natera, Inc.
Classification: Uncertain significance for Citrullinemia. Last evaluated: 2019-05-20. Review status: no assertion criteria provided. Collection method: clinical testing. Allele origin: germline. Not counted in ClinVar's aggregate classification.

Counsyl
Classification: Uncertain significance for Citrullinemia type I. Last evaluated: 2017-10-06. Review status: no assertion criteria provided. Collection method: clinical testing. Allele origin: unknown. Not counted in ClinVar's aggregate classification.

Literature cited by the submitters: PubMed 28111830 (cited by 3 submitters).

NM_054012.4(ASS1):c.298C>T (p.Arg100Cys)

Gene: ASS1 (argininosuccinate synthase 1; plus strand). Cytogenetic location: 9q34.11.
Variant type: single nucleotide variant.
Coding change: c.298C>T on transcript NM_054012.4 (MANE Select); coding-DNA position 298, C replaced by T.
Protein change: p.Arg100Cys; replaces arginine 100 with cysteine.
Molecular consequence: missense variant.
Genome position (GRCh38, 1-based): chr9:130,458,524, C>T. VCF-style: chr9-130458524-C-T. GRCh37 (hg19) VCF-style: chr9-133333911-C-T.
Other names: c.298C>T, p.Arg100Cys (NM_000050.4); short protein forms R100C.
Identifiers: ClinVar variation 553910 (VCV000553910.9), dbSNP rs370695114, ClinGen allele CA5283218.